The following is an entry in ClinVar:

ClinVar aggregate classification (germline): Benign. Review status: criteria provided, multiple submitters, no conflicts (2 of 4 stars). 5 submissions from 5 submitters: Benign (5). Last evaluated 2026-08-03.

Conditions:
Familial colorectal cancer type X. Identifiers: Orphanet 440437, MedGen C3896578, MONDO:0018604.

Allele frequency attached by ClinVar (database versions not stated): gnomAD 0.02386 and 0.02567; gnomAD exomes 0.00590 and 0.00211; ESP Exome Variant Server 0.02434; 1000 Genomes Project 30x 0.02655; 1000 Genomes Project 0.02436; ExAC 0.00718; TOPMed 0.02621.
gnomAD v4.1: 6,841 of 1,605,896 alleles (0.43%); highest among the groups gnomAD compares: African/African-American, 8.2%; 279 homozygotes.

Submissions (41):

Myriad Genetics, Inc.
Classification: Benign for Familial colorectal cancer type X. Last evaluated: 2026-08-03. Review status: criteria provided, single submitter. Criteria: Myriad Autosomal Dominant, Autosomal Recessive and X-Linked Classification Criteria (2023). Collection method: clinical testing. Allele origin: unknown.
Comment: This variant is considered benign. This variant is intronic and is not expected to impact mRNA splicing. This variant has been observed at a population frequency that is significantly greater than expected given the associated disease prevalence and penetrance.

Labcorp Genetics (formerly Invitae), Labcorp
Classification: Benign. Last evaluated: 2026-02-03. Review status: criteria provided, single submitter. Criteria: Invitae Variant Classification Sherloc (09022015). Collection method: clinical testing. Allele origin: germline.

Center for Genomic Medicine, Rigshospitalet, Copenhagen University Hospital
Classification: Benign. Last evaluated: 2025-03-04. Review status: criteria provided, single submitter. Criteria: ACMG Guidelines, 2015. Collection method: clinical testing. Allele origin: germline.

Department of Pathology and Laboratory Medicine, Sinai Health System
Classification: Benign for Familial colorectal cancer type X. Last evaluated: 2022-07-06. Review status: criteria provided, single submitter. Criteria: ACMG Guidelines, 2015. Collection method: clinical testing. Allele origin: germline. Affected: yes.

GeneDx
Classification: Benign. Last evaluated: 2019-06-15. Review status: criteria provided, single submitter. Criteria: GeneDx Variant Classification Process June 2021. Collection method: clinical testing. Allele origin: germline. Affected: yes.

Dr. Peter K. Rogan Lab, Western University
No classification provided (evidence only). Condition: Lung cancer. Review status: no classification provided. Collection method: in vitro. Allele origin: not applicable. Functional consequence: skipped exon, retained intron. Not counted in ClinVar's aggregate classification.

Dr. Peter K. Rogan Lab, Western University
No classification provided (evidence only). Condition: Lung cancer. Review status: no classification provided. Collection method: in vitro. Allele origin: not applicable. Functional consequence: retained intron. Not counted in ClinVar's aggregate classification.

Dr. Peter K. Rogan Lab, Western University
No classification provided (evidence only). Condition: Lung cancer. Review status: no classification provided. Collection method: in vitro. Allele origin: not applicable. Functional consequence: retained intron. Not counted in ClinVar's aggregate classification.

Dr. Peter K. Rogan Lab, Western University
No classification provided (evidence only). Condition: Acute myeloid leukemia. Review status: no classification provided. Collection method: in vitro. Allele origin: not applicable. Functional consequence: retained intron. Not counted in ClinVar's aggregate classification.

Dr. Peter K. Rogan Lab, Western University
No classification provided (evidence only). Condition: Acute myeloid leukemia. Review status: no classification provided. Collection method: in vitro. Allele origin: not applicable. Functional consequence: retained intron. Not counted in ClinVar's aggregate classification.

Dr. Peter K. Rogan Lab, Western University
No classification provided (evidence only). Condition: Acute myeloid leukemia. Review status: no classification provided. Collection method: in vitro. Allele origin: not applicable. Functional consequence: retained intron. Not counted in ClinVar's aggregate classification.

Dr. Peter K. Rogan Lab, Western University
No classification provided (evidence only). Condition: Uterine corpus endometrial carcinoma. Review status: no classification provided. Collection method: in vitro. Allele origin: not applicable. Functional consequence: retained intron. Not counted in ClinVar's aggregate classification.

Dr. Peter K. Rogan Lab, Western University
No classification provided (evidence only). Condition: Uterine corpus endometrial carcinoma. Review status: no classification provided. Collection method: in vitro. Allele origin: not applicable. Functional consequence: retained intron. Not counted in ClinVar's aggregate classification.

Dr. Peter K. Rogan Lab, Western University
No classification provided (evidence only). Condition: Uterine corpus endometrial carcinoma. Review status: no classification provided. Collection method: in vitro. Allele origin: not applicable. Functional consequence: retained intron. Not counted in ClinVar's aggregate classification.

Dr. Peter K. Rogan Lab, Western University
No classification provided (evidence only). Condition: Uterine corpus endometrial carcinoma. Review status: no classification provided. Collection method: in vitro. Allele origin: not applicable. Functional consequence: retained intron. Not counted in ClinVar's aggregate classification.

Dr. Peter K. Rogan Lab, Western University
No classification provided (evidence only). Condition: Uterine corpus endometrial carcinoma. Review status: no classification provided. Collection method: in vitro. Allele origin: not applicable. Functional consequence: retained intron. Not counted in ClinVar's aggregate classification.

Dr. Peter K. Rogan Lab, Western University
No classification provided (evidence only). Condition: Uterine corpus endometrial carcinoma. Review status: no classification provided. Collection method: in vitro. Allele origin: not applicable. Functional consequence: retained intron. Not counted in ClinVar's aggregate classification.

Dr. Peter K. Rogan Lab, Western University
No classification provided (evidence only). Condition: Uterine corpus endometrial carcinoma. Review status: no classification provided. Collection method: in vitro. Allele origin: not applicable. Functional consequence: retained intron. Not counted in ClinVar's aggregate classification.

Dr. Peter K. Rogan Lab, Western University
No classification provided (evidence only). Condition: Uterine corpus endometrial carcinoma. Review status: no classification provided. Collection method: in vitro. Allele origin: not applicable. Functional consequence: retained intron. Not counted in ClinVar's aggregate classification.

Dr. Peter K. Rogan Lab, Western University
No classification provided (evidence only). Condition: Uterine corpus endometrial carcinoma. Review status: no classification provided. Collection method: in vitro. Allele origin: not applicable. Functional consequence: retained intron. Not counted in ClinVar's aggregate classification.

Dr. Peter K. Rogan Lab, Western University
No classification provided (evidence only). Condition: Uterine corpus endometrial carcinoma. Review status: no classification provided. Collection method: in vitro. Allele origin: not applicable. Functional consequence: retained intron. Not counted in ClinVar's aggregate classification.

Dr. Peter K. Rogan Lab, Western University
No classification provided (evidence only). Condition: Uterine corpus endometrial carcinoma. Review status: no classification provided. Collection method: in vitro. Allele origin: not applicable. Functional consequence: retained intron. Not counted in ClinVar's aggregate classification.

Dr. Peter K. Rogan Lab, Western University
No classification provided (evidence only). Condition: Uterine corpus endometrial carcinoma. Review status: no classification provided. Collection method: in vitro. Allele origin: not applicable. Functional consequence: retained intron. Not counted in ClinVar's aggregate classification.

Dr. Peter K. Rogan Lab, Western University
No classification provided (evidence only). Condition: Cervical cancer. Review status: no classification provided. Collection method: in vitro. Allele origin: not applicable. Functional consequence: skipped exon, retained intron. Not counted in ClinVar's aggregate classification.

Dr. Peter K. Rogan Lab, Western University
No classification provided (evidence only). Condition: Cervical cancer. Review status: no classification provided. Collection method: in vitro. Allele origin: not applicable. Functional consequence: retained intron. Not counted in ClinVar's aggregate classification.

Dr. Peter K. Rogan Lab, Western University
No classification provided (evidence only). Condition: Cervical cancer. Review status: no classification provided. Collection method: in vitro. Allele origin: not applicable. Functional consequence: retained intron. Not counted in ClinVar's aggregate classification.

Dr. Peter K. Rogan Lab, Western University
No classification provided (evidence only). Condition: Cervical cancer. Review status: no classification provided. Collection method: in vitro. Allele origin: not applicable. Functional consequence: retained intron. Not counted in ClinVar's aggregate classification.

Dr. Peter K. Rogan Lab, Western University
No classification provided (evidence only). Condition: Cervical cancer. Review status: no classification provided. Collection method: in vitro. Allele origin: not applicable. Functional consequence: retained intron. Not counted in ClinVar's aggregate classification.

Dr. Peter K. Rogan Lab, Western University
No classification provided (evidence only). Condition: Sarcoma. Review status: no classification provided. Collection method: in vitro. Allele origin: not applicable. Functional consequence: retained intron. Not counted in ClinVar's aggregate classification.

Dr. Peter K. Rogan Lab, Western University
No classification provided (evidence only). Condition: Sarcoma. Review status: no classification provided. Collection method: in vitro. Allele origin: not applicable. Functional consequence: retained intron. Not counted in ClinVar's aggregate classification.

Dr. Peter K. Rogan Lab, Western University
No classification provided (evidence only). Condition: Sarcoma. Review status: no classification provided. Collection method: in vitro. Allele origin: not applicable. Functional consequence: retained intron. Not counted in ClinVar's aggregate classification.

Dr. Peter K. Rogan Lab, Western University
No classification provided (evidence only). Condition: Sarcoma. Review status: no classification provided. Collection method: in vitro. Allele origin: not applicable. Functional consequence: retained intron. Not counted in ClinVar's aggregate classification.

Dr. Peter K. Rogan Lab, Western University
No classification provided (evidence only). Condition: Ovarian serous cystadenocarcinoma. Review status: no classification provided. Collection method: in vitro. Allele origin: not applicable. Functional consequence: retained intron. Not counted in ClinVar's aggregate classification.

Dr. Peter K. Rogan Lab, Western University
No classification provided (evidence only). Condition: Ovarian serous cystadenocarcinoma. Review status: no classification provided. Collection method: in vitro. Allele origin: not applicable. Functional consequence: retained intron. Not counted in ClinVar's aggregate classification.

Dr. Peter K. Rogan Lab, Western University
No classification provided (evidence only). Condition: Ovarian serous cystadenocarcinoma. Review status: no classification provided. Collection method: in vitro. Allele origin: not applicable. Functional consequence: retained intron. Not counted in ClinVar's aggregate classification.

Dr. Peter K. Rogan Lab, Western University
No classification provided (evidence only). Condition: Ovarian serous cystadenocarcinoma. Review status: no classification provided. Collection method: in vitro. Allele origin: not applicable. Functional consequence: retained intron. Not counted in ClinVar's aggregate classification.

Dr. Peter K. Rogan Lab, Western University
No classification provided (evidence only). Condition: Gastric cancer. Review status: no classification provided. Collection method: in vitro. Allele origin: not applicable. Functional consequence: retained intron. Not counted in ClinVar's aggregate classification.

Dr. Peter K. Rogan Lab, Western University
No classification provided (evidence only). Condition: Uterine carcinosarcoma. Review status: no classification provided. Collection method: in vitro. Allele origin: not applicable. Functional consequence: retained intron. Not counted in ClinVar's aggregate classification.

Dr. Peter K. Rogan Lab, Western University
No classification provided (evidence only). Condition: Uterine carcinosarcoma. Review status: no classification provided. Collection method: in vitro. Allele origin: not applicable. Functional consequence: retained intron. Not counted in ClinVar's aggregate classification.

Dr. Peter K. Rogan Lab, Western University
No classification provided (evidence only). Condition: Malignant tumor of esophagus. Review status: no classification provided. Collection method: in vitro. Allele origin: not applicable. Functional consequence: retained intron. Not counted in ClinVar's aggregate classification.

Dr. Peter K. Rogan Lab, Western University
No classification provided (evidence only). Condition: Ovarian cancer. Review status: no classification provided. Collection method: in vitro. Allele origin: not applicable. Functional consequence: skipped exon, retained intron. Not counted in ClinVar's aggregate classification.

NM_001023.4(RPS20):c.4-11T>C

Gene: RPS20 (ribosomal protein S20; minus strand). Cytogenetic location: 8q12.1.
Variant type: single nucleotide variant.
Coding change: c.4-11T>C on transcript NM_001023.4 (MANE Select); 11 bases into the intron before coding-DNA position 4, T replaced by C.
Molecular consequence: intron variant.
Genome position (GRCh38, 1-based): chr8:56,074,170, A>G on the plus strand (T>C on the coding strand, the complement: RPS20 is on the minus strand). VCF-style: chr8-56074170-A-G. GRCh37 (hg19) VCF-style: chr8-56986729-A-G.
Other names: c.4-11T>C (NM_001146227.3, NM_001146227.2).
Identifiers: ClinVar variation 1235251 (VCV001235251.18), dbSNP rs113118429, ClinGen allele CA4754481.